The following is an entry in ClinVar:

NM_000019.4(ACAT1):c.75_76del (p.Glu25fs)

Gene: ACAT1 (acetyl-CoA acetyltransferase 1; plus strand). Cytogenetic location: 11q22.3.
Variant type: Deletion.
Coding change: c.75_76del on transcript NM_000019.4 (MANE Select); coding-DNA positions 75 to 76, 2 bases deleted (AA; older notation c.75_76delAA).
Protein change: p.Glu25fs; shifts the reading frame from glutamic acid 25.
Molecular consequence: frameshift variant. On other transcripts: 5 prime UTR variant (10), non-coding transcript variant (2).
Genome position (GRCh38, 1-based): chr11:108,131,909-108,131,910, AA deleted; deleting any 2 consecutive bases within chr11:108,131,908-108,131,910 gives the same sequence; the c. name uses the placement nearest the transcript's 3' end. VCF-style (leftmost placement, unchanged base first): chr11-108131907-GAA-G. GRCh37 (hg19) VCF-style: chr11-108002634-GAA-G.
Other names: c.75_76del, p.Glu25fs (NM_001386677.1, NM_001386678.1); c.-203_-202del (NM_001386679.1); c.-196_-195del (NM_001386681.1, NM_001386682.1, NM_001386685.1 and 6 more transcripts); short protein forms E25fs.
Identifiers: ClinVar variation 2101162 (VCV002101162.4), dbSNP rs2496570243, ClinGen allele CA2580082939.

ClinVar aggregate classification (germline): Pathogenic (1 of 4 stars; one submission).

Conditions:
Deficiency of acetyl-CoA acetyltransferase. Also called: 3-KETOTHIOLASE DEFICIENCY; MITOCHONDRIAL ACETOACETYL-CoA THIOLASE DEFICIENCY; Beta-ketothiolase deficiency; 3-OXOTHIOLASE DEFICIENCY. Identifiers: Orphanet 134, MedGen C1536500, MONDO:0008760, OMIM 203750. Disease mechanism: loss of function.

Submission:

Labcorp Genetics (formerly Invitae), Labcorp
Classification: Pathogenic for Deficiency of acetyl-CoA acetyltransferase. Last evaluated: 2022-11-22. Review status: criteria provided, single submitter. Criteria: Invitae Variant Classification Sherloc (09022015). Collection method: clinical testing. Allele origin: germline.
Comment: For these reasons, this variant has been classified as Pathogenic. This variant has not been reported in the literature in individuals affected with ACAT1-related conditions. This variant is not present in population databases (gnomAD no frequency). This sequence change creates a premature translational stop signal (p.Glu25Aspfs*41) in the ACAT1 gene. It is expected to result in an absent or disrupted protein product. Loss-of-function variants in ACAT1 are known to be pathogenic (PMID: 7749408).

Literature cited by the submitters: PubMed 7749408.